The following is an entry in ClinVar:

NM_002972.4(SBF1):c.5653C>T (p.Arg1885Trp)

Gene: SBF1 (SET binding factor 1; minus strand). Cytogenetic location: 22q13.33.
Variant type: single nucleotide variant.
Coding change: c.5653C>T on transcript NM_002972.4 (MANE Select); coding-DNA position 5653, C replaced by T.
Protein change: p.Arg1885Trp; replaces arginine 1885 with tryptophan.
Molecular consequence: missense variant.
Genome position (GRCh38, 1-based): chr22:50,447,171, G>A on the plus strand (C>T on the coding strand, the complement: SBF1 is on the minus strand). VCF-style: chr22-50447171-G-A. GRCh37 (hg19) VCF-style: chr22-50885600-G-A.
Other names: p.Arg1885Trp; c.5653C>T (NM_002972.2); c.5578C>T, p.Arg1860Trp (NM_001365819.1); c.5656C>T, p.Arg1886Trp (NM_001410794.1); c.5575C>T, p.Arg1859Trp (NM_001410795.1); c.5653C>T, p.Arg1885Trp (NM_197971.1); short protein forms R1859W, R1885W, R1886W, R1860W.
Identifiers: ClinVar variation 1899753 (VCV001899753.5), dbSNP rs746863783, ClinGen allele CA10315733.

ClinVar aggregate classification (germline): Uncertain significance. Review status: criteria provided, multiple submitters, no conflicts (2 of 4 stars). 3 submissions from 3 submitters: Uncertain significance (3). Last evaluated 2025-06-04.

Allele frequency attached by ClinVar (database versions not stated): ExAC 0.00003; gnomAD 0.00003.
gnomAD v4.1: 26 of 1,612,988 alleles (0.0016%); highest among the groups gnomAD compares: African/African-American, 0.0053%; no homozygotes.

Submissions (3):

Mayo Clinic Laboratories, Mayo Clinic
Classification: Uncertain significance. Last evaluated: 2025-06-04. Review status: criteria provided, single submitter. Criteria: ACMG Guidelines, 2015. Collection method: clinical testing. Allele origin: germline. Observed: 1 variant allele.

Ambry Genetics
Classification: Uncertain significance. Last evaluated: 2024-04-23. Review status: criteria provided, single submitter. Criteria: Ambry Variant Classification Scheme 2023. Collection method: clinical testing. Allele origin: germline.

Labcorp Genetics (formerly Invitae), Labcorp
Classification: Uncertain significance. Last evaluated: 2022-05-30. Review status: criteria provided, single submitter. Criteria: Invitae Variant Classification Sherloc (09022015). Collection method: clinical testing. Allele origin: germline.
Comment: In summary, the available evidence is currently insufficient to determine the role of this variant in disease. Therefore, it has been classified as a Variant of Uncertain Significance. Algorithms developed to predict the effect of missense changes on protein structure and function are either unavailable or do not agree on the potential impact of this missense change (SIFT: "Deleterious"; PolyPhen-2: "Possibly Damaging"; Align-GVGD: "Class C0"). This variant has not been reported in the literature in individuals affected with SBF1-related conditions. This variant is present in population databases (rs746863783, gnomAD 0.01%). This sequence change replaces arginine, which is basic and polar, with tryptophan, which is neutral and slightly polar, at codon 1885 of the SBF1 protein (p.Arg1885Trp).